The following is an entry in ClinVar:

NM_006904.7(PRKDC):c.9633T>G (p.Asp3211Glu)

Gene: PRKDC (protein kinase, DNA-activated, catalytic subunit; minus strand). Cytogenetic location: 8q11.21.
Variant type: single nucleotide variant.
Coding change: c.9633T>G on transcript NM_006904.7 (MANE Select); coding-DNA position 9633, T replaced by G.
Protein change: p.Asp3211Glu; replaces aspartic acid 3211 with glutamic acid.
Molecular consequence: missense variant.
Genome position (GRCh38, 1-based): chr8:47,807,251, A>C on the plus strand (T>G on the coding strand, the complement: PRKDC is on the minus strand). VCF-style: chr8-47807251-A-C. GRCh37 (hg19) VCF-style: chr8-48719812-A-C.
Other names: c.9633T>G, p.Asp3211Glu (NM_001081640.2); short protein forms D3211E.
Identifiers: ClinVar variation 1461478 (VCV001461478.6), dbSNP rs2154498488, ClinGen allele CA371137484.
Genomic context (GRCh38, chr8:47,807,251, plus strand): 5'-GATCAGGGAGCTGATATCTTCTTCCTGCTCTTGCACTTCCATCCTGTCACTGGGGTCTCC[A>C]TCTTGATCCACATTCATACTATTATCTTCTGGAAGAGGGGTAAGCTTCTCCTCTATTTTG-3'
Protein context (NP_008835.5, residues 3201-3221): PEDNSMNVDQ[Asp3211Glu]GDPSDRMEVQ

ClinVar aggregate classification (germline): Uncertain significance (1 of 4 stars; one submission).

Conditions:
Severe combined immunodeficiency due to DNA-PKcs deficiency. Also called: Immunodeficiency 26 with or without neurologic abnormalities; IMMUNODEFICIENCY 26 WITH NEUROLOGIC ABNORMALITIES. Identifiers: Orphanet 317425, MedGen C4014833, MONDO:0014423, OMIM 615966.

Submission:

Labcorp Genetics (formerly Invitae), Labcorp
Classification: Uncertain significance for Severe combined immunodeficiency due to DNA-PKcs deficiency. Last evaluated: 2022-09-01. Review status: criteria provided, single submitter. Criteria: Invitae Variant Classification Sherloc (09022015). Collection method: clinical testing. Allele origin: germline.
Comment: In summary, the available evidence is currently insufficient to determine the role of this variant in disease. Therefore, it has been classified as a Variant of Uncertain Significance. Experimental studies and prediction algorithms are not available or were not evaluated, and the functional significance of this variant is currently unknown. ClinVar contains an entry for this variant (Variation ID: 1461478). This variant has not been reported in the literature in individuals affected with PRKDC-related conditions. This variant is not present in population databases (gnomAD no frequency). This sequence change replaces aspartic acid, which is acidic and polar, with glutamic acid, which is acidic and polar, at codon 3211 of the PRKDC protein (p.Asp3211Glu).